The following is an entry in ClinVar:

NM_001005273.3(CHD3):c.3042C>A (p.Asn1014Lys)

Gene: CHD3 (chromodomain helicase DNA binding protein 3; plus strand). Cytogenetic location: 17p13.1.
Variant type: single nucleotide variant.
Coding change: c.3042C>A on transcript NM_001005273.3 (MANE Select); coding-DNA position 3042, C replaced by A.
Protein change: p.Asn1014Lys; replaces asparagine 1014 with lysine.
Molecular consequence: missense variant.
Genome position (GRCh38, 1-based): chr17:7,900,915, C>A. VCF-style: chr17-7900915-C-A. GRCh37 (hg19) VCF-style: chr17-7804233-C-A.
Other names: c.3219C>A, p.Asn1073Lys (NM_001005271.3, NM_001437504.1); c.3207C>A, p.Asn1069Lys (NM_001437507.1, NM_001437508.1, NM_001437509.1); c.3042C>A, p.Asn1014Lys (NM_005852.4); short protein forms N1014K, N1069K, N1073K.
Identifiers: ClinVar variation 4075677 (VCV004075677.1).
Genomic context (GRCh38, chr17:7,900,915, plus strand): 5'-ATACTACAAATACATCCTGACTCGAAATTTTGAGGCCTTGAATTCACGAGGTGGTGGGAA[C>A]CAGGTGTCGCTGCTTAATATCATGATGGATCTTAAGAAGTGCTGCAACCATCCATACCTT-3'
Protein context (NP_001005273.1, residues 1004-1024): FEALNSRGGG[Asn1014Lys]QVSLLNIMMD

ClinVar aggregate classification (germline): Uncertain significance (1 of 4 stars; one submission).

Submission:

GeneDx
Classification: Uncertain significance. Last evaluated: 2025-02-13. Review status: criteria provided, single submitter. Criteria: GeneDx Variant Classification Process June 2021. Collection method: clinical testing. Allele origin: germline. Affected: yes.
Comment: Not observed at significant frequency in large population cohorts (gnomAD); In silico analysis supports that this missense variant has a deleterious effect on protein structure/function; Has not been previously published as pathogenic or benign to our knowledge